The following is an entry in ClinVar:

ClinVar aggregate classification (germline): Likely benign (1 of 4 stars; one submission).

Allele frequency attached by ClinVar (database versions not stated): gnomAD exomes below 0.00001; ExAC 0.00001.
gnomAD v4.1: 1 of 1,613,054 alleles (0.000062%); highest among the groups gnomAD compares: Non-Finnish European, 0.000085%; no homozygotes.

Submission:

CeGaT Center for Human Genetics Tuebingen
Classification: Likely benign. Last evaluated: 2023-05-01. Review status: criteria provided, single submitter. Criteria: CeGaT Center For Human Genetics Tuebingen Variant Classification Criteria Version 2. Collection method: clinical testing. Allele origin: germline. Affected: yes. Observed: 1 variant allele.
Comment: TUSC3: BP4, BP7

NM_006765.4(TUSC3):c.621A>G (p.Leu207=)

Gene: TUSC3 (tumor suppressor candidate 3; plus strand). Cytogenetic location: 8p22.
Variant type: single nucleotide variant.
Coding change: c.621A>G on transcript NM_006765.4 (MANE Select); coding-DNA position 621, A replaced by G.
Protein change: p.Leu207=; no amino-acid change (leucine 207 retained).
Molecular consequence: synonymous variant. On other transcripts: non-coding transcript variant (5).
Genome position (GRCh38, 1-based): chr8:15,662,209, A>G. VCF-style: chr8-15662209-A-G. GRCh37 (hg19) VCF-style: chr8-15519718-A-G.
Other names: c.621A>G, p.Leu207= (NM_001356429.2, NM_001413583.1, NM_001413673.1 and 16 more transcripts); c.453A>G, p.Leu151= (NM_001413669.1, NM_001413671.1, NM_001413672.1); c.561A>G, p.Leu187= (NM_001413670.1); c.189A>G, p.Leu63= (NM_001413677.1); c.234A>G, p.Leu78= (NM_001413678.1); c.615A>G, p.Leu205= (NM_001413690.1).
Identifiers: ClinVar variation 2658440 (VCV002658440.24), dbSNP rs777914298, ClinGen allele CA4640510.